The following is an entry in ClinVar:

NM_007294.4(BRCA1):c.2911C>G (p.His971Asp)

Gene: BRCA1 (BRCA1 DNA repair associated; minus strand). Cytogenetic location: 17q21.31.
Variant type: single nucleotide variant.
Coding change: c.2911C>G on transcript NM_007294.4 (MANE Select); coding-DNA position 2911, C replaced by G.
Protein change: p.His971Asp; replaces histidine 971 with aspartic acid.
Molecular consequence: missense variant. On other transcripts: intron variant (137).
Genome position (GRCh38, 1-based): chr17:43,092,620, G>C on the plus strand (C>G on the coding strand, the complement: BRCA1 is on the minus strand). VCF-style: chr17-43092620-G-C. GRCh37 (hg19) VCF-style: chr17-41244637-G-C.
Other names: c.2698C>G, p.His900Asp (NM_001407571.1, NM_001407853.1, NM_001407894.1 and 9 more transcripts); c.2911C>G, p.His971Asp (NM_001407581.1, NM_001407582.1, NM_001407583.1 and 30 more transcripts); c.2908C>G, p.His970Asp (NM_001407587.1, NM_001407590.1, NM_001407591.1 and 22 more transcripts); c.2833C>G, p.His945Asp (NM_001407658.1, NM_001407663.1, NM_001407653.1 and 4 more transcripts); c.2830C>G, p.His944Asp (NM_001407659.1, NM_001407660.1, NM_001407661.1 and 1 more transcripts); c.2788C>G, p.His930Asp (NM_001407664.1, NM_001407665.1, NM_001407666.1 and 19 more transcripts); c.2785C>G, p.His929Asp (NM_001407685.1, NM_001407940.1, NM_001407941.1 and 11 more transcripts); c.2770C>G, p.His924Asp (NM_001407697.1, NM_001407698.1, NM_001407724.1 and 29 more transcripts); and 41 more; short protein forms H971D, H924D, H675D, H843D, H923D, H930D, H944D, H859D.
Identifiers: ClinVar variation 431233 (VCV000431233.17), dbSNP rs80357478, ClinGen allele CA10596171.

ClinVar aggregate classification (germline): Conflicting classifications of pathogenicity. Review status: criteria provided, conflicting classifications (1 of 4 stars). 5 submissions from 5 submitters: Uncertain significance (2); Likely benign (2). 1 of the submissions does not count toward it. Last evaluated 2024-08-13.

Conditions:
Hereditary breast ovarian cancer syndrome. Also called: Hereditary breast and ovarian cancer syndrome (HBOC); BRCA1- and BRCA2-Associated Hereditary Breast and Ovarian Cancer; Hereditary breast and/or ovarian cancer syndrome; Hereditary breast and ovarian cancer syndrome; Hereditary breast and ovarian cancer; Breast and ovarian cancer. Identifiers: Orphanet 145, MedGen C0677776, MeSH D061325, MONDO:0003582. Disease mechanism: loss of function.
Hereditary cancer-predisposing syndrome. Also called: Neoplastic Syndromes, Hereditary; Hereditary neoplastic syndrome; Tumor predisposition; Hereditary Cancer Syndrome. Identifiers: Orphanet 140162, MedGen C0027672, MeSH D009386, MONDO:0015356.
Breast-ovarian cancer, familial, susceptibility to, 1 (BROVCA1). Also called: BRCA1 Hereditary Breast and Ovarian Cancer; OVARIAN CANCER, SUSCEPTIBILITY TO. Identifiers: Orphanet 145, MedGen C2676676, MONDO:0011450, OMIM 604370. Disease mechanism: loss of function.

Allele frequency attached by ClinVar (database versions not stated): gnomAD exomes below 0.00001.
gnomAD v4.1: 2 of 1,614,044 alleles (0.00012%); highest among the groups gnomAD compares: African/African-American, 0.0013%; no homozygotes.

Submissions (5):

Labcorp Genetics (formerly Invitae), Labcorp
Classification: Uncertain significance for Hereditary breast ovarian cancer syndrome. Last evaluated: 2024-08-13. Review status: criteria provided, single submitter. Criteria: Invitae Variant Classification Sherloc (09022015). Collection method: clinical testing. Allele origin: germline.
Comment: This sequence change replaces histidine, which is basic and polar, with aspartic acid, which is acidic and polar, at codon 971 of the BRCA1 protein (p.His971Asp). This variant is not present in population databases (gnomAD no frequency). This variant has not been reported in the literature in individuals affected with BRCA1-related conditions. ClinVar contains an entry for this variant (Variation ID: 431233). Advanced modeling of protein sequence and biophysical properties (such as structural, functional, and spatial information, amino acid conservation, physicochemical variation, residue mobility, and thermodynamic stability) performed at Invitae indicates that this missense variant is not expected to disrupt BRCA1 protein function with a negative predictive value of 95%. In summary, the available evidence is currently insufficient to determine the role of this variant in disease. Therefore, it has been classified as a Variant of Uncertain Significance.

Myriad Genetics, Inc.
Classification: Likely benign for Breast-ovarian cancer, familial, susceptibility to, 1. Last evaluated: 2023-04-04. Review status: criteria provided, single submitter. Criteria: Myriad Autosomal Dominant, Autosomal Recessive and X-Linked Classification Criteria (2023). Collection method: clinical testing. Allele origin: unknown.
Comment: This variant is considered likely benign. This variant is strongly associated with less severe personal and family histories of cancer, typical for individuals without pathogenic variants in this gene [PMID: 25085752].

University of Washington Department of Laboratory Medicine, University of Washington
Classification: Likely benign for Hereditary cancer-predisposing syndrome. Last evaluated: 2023-03-23. Review status: criteria provided, single submitter. Criteria: Dines et al. (Genet Med. 2020). Collection method: curation. Allele origin: germline.
Comment: Missense variant in a coldspot region where missense variants are very unlikely to be pathogenic (PMID:31911673).

BRCA1 coldspot (exon 11 using historical exon numbering). Reclassification based on statistical prior probability

Ambry Genetics
Classification: Uncertain significance for Hereditary cancer-predisposing syndrome. Last evaluated: 2019-04-12. Review status: criteria provided, single submitter. Criteria: Ambry Variant Classification Scheme 2023. Collection method: clinical testing. Allele origin: germline.
Comment: The p.H971D variant (also known as c.2911C>G), located in coding exon 9 of the BRCA1 gene, results from a C to G substitution at nucleotide position 2911. The histidine at codon 971 is replaced by aspartic acid, an amino acid with similar properties. This amino acid position is poorly conserved in available vertebrate species. In addition, the in silico prediction for this alteration is inconclusive. Since supporting evidence is limited at this time, the clinical significance of this alteration remains unclear.

Research Molecular Genetics Laboratory, Women's College Hospital, University of Toronto
Classification: Uncertain significance. Last evaluated: 2014-01-31. Review status: no assertion criteria provided. Collection method: research. Allele origin: germline. Affected: yes. Study: The Canadian Open Genetics Repository (COGR). Not counted in ClinVar's aggregate classification.

Literature cited by the submitters: PubMed 25085752 (cited by Myriad Genetics, Inc.).